The following is an entry in ClinVar:

ClinVar aggregate classification (germline): Pathogenic (1 of 4 stars; one submission).

Submission:

GeneDx
Classification: Pathogenic. Last evaluated: 2025-05-12. Review status: criteria provided, single submitter. Criteria: GeneDx Variant Classification Process June 2021. Collection method: clinical testing. Allele origin: germline.
Comment: Apparently de novo variant in a patient with primary familial brain calcification (PMID: 34494111); Published functional studies demonstrate complete loss of tyrosine kinase activity (PMID: 34494111); In silico analysis supports that this missense variant has a deleterious effect on protein structure/function; Not observed at significant frequency in large population cohorts (gnomAD); In silico analysis suggests this variant may impact gene splicing. In the absence of RNA/functional studies, the actual effect of this sequence change is unknown.; This variant is associated with the following publications: (PMID: Review_Weiting_2023, 37780723, 38859923, 34494111)

NM_002609.4(PDGFRB):c.2476G>T (p.Asp826Tyr)

Gene: PDGFRB (platelet derived growth factor receptor beta; minus strand). Cytogenetic location: 5q32.
Variant type: single nucleotide variant.
Coding change: c.2476G>T on transcript NM_002609.4 (MANE Select); coding-DNA position 2476, G replaced by T.
Protein change: p.Asp826Tyr; replaces aspartic acid 826 with tyrosine.
Molecular consequence: missense variant.
Genome position (GRCh38, 1-based): chr5:150,120,998, C>A on the plus strand (G>T on the coding strand, the complement: PDGFRB is on the minus strand). VCF-style: chr5-150120998-C-A. GRCh37 (hg19) VCF-style: chr5-149500561-C-A.
Other names: c.2284G>T, p.Asp762Tyr (NM_001355016.2); c.1993G>T, p.Asp665Tyr (NM_001355017.2); short protein forms D665Y, D762Y, D826Y.
Identifiers: ClinVar variation 3392579 (VCV003392579.2).